The following is an entry in ClinVar:

ClinVar aggregate classification (germline): Pathogenic (1 of 4 stars; one submission).

Conditions:
Charcot-Marie-Tooth disease type 4A. Also called: Charcot-Marie-Tooth disease, demyelinating, autosomal recessive, type 4a. Identifiers: Orphanet 99948, MedGen C1859198, MONDO:0008961, OMIM 214400.

Allele frequency attached by ClinVar (database versions not stated): gnomAD exomes below 0.00001 and 0.00001; ExAC 0.00001.
gnomAD v4.1: 2 of 1,613,012 alleles (0.00012%); highest among the groups gnomAD compares: Non-Finnish European, 0.000085%; no homozygotes.

Submission:

Labcorp Genetics (formerly Invitae), Labcorp
Classification: Pathogenic for Charcot-Marie-Tooth disease type 4A. Last evaluated: 2020-08-28. Review status: criteria provided, single submitter. Criteria: Invitae Variant Classification Sherloc (09022015). Collection method: clinical testing. Allele origin: germline.
Comment: For these reasons, this variant has been classified as Pathogenic. Loss-of-function variants in GDAP1 are known to be pathogenic (PMID: 11743580). This variant has not been reported in the literature in individuals with GDAP1-related conditions. This variant is present in population databases (rs751986220, ExAC 0.002%). This sequence change creates a premature translational stop signal (p.Leu109*) in the GDAP1 gene. It is expected to result in an absent or disrupted protein product.

Literature cited by the submitters: PubMed 11743580.

NM_018972.4(GDAP1):c.326T>A (p.Leu109Ter)

Gene: GDAP1 (ganglioside induced differentiation associated protein 1; plus strand). Cytogenetic location: 8q21.11.
Variant type: single nucleotide variant.
Coding change: c.326T>A on transcript NM_018972.4 (MANE Select); coding-DNA position 326, T replaced by A.
Protein change: p.Leu109Ter; replaces leucine 109 with a stop codon.
Molecular consequence: nonsense. On other transcripts: 5 prime UTR variant (2), intron variant (1).
Genome position (GRCh38, 1-based): chr8:74,360,152, T>A. VCF-style: chr8-74360152-T-A. GRCh37 (hg19) VCF-style: chr8-75272387-T-A.
Other names: c.122T>A, p.Leu41Ter (NM_001040875.4); c.-2T>A (NM_001362929.2, NM_001362932.2); c.326T>A, p.Leu109Ter (NM_001362931.2); c.311-1732T>A (NM_001362930.2); short protein forms L109*, L41*.
Identifiers: ClinVar variation 1069651 (VCV001069651.7), dbSNP rs751986220, ClinGen allele CA4785083.